The following is an entry in ClinVar:

NM_206933.4(USH2A):c.1744A>C (p.Lys582Gln)

Gene: USH2A (usherin; minus strand). Cytogenetic location: 1q41.
Variant type: single nucleotide variant.
Coding change: c.1744A>C on transcript NM_206933.4 (MANE Select); coding-DNA position 1744, A replaced by C.
Protein change: p.Lys582Gln; replaces lysine 582 with glutamine.
Molecular consequence: missense variant.
Genome position (GRCh38, 1-based): chr1:216,292,271, T>G on the plus strand (A>C on the coding strand, the complement: USH2A is on the minus strand). VCF-style: chr1-216292271-T-G. GRCh37 (hg19) VCF-style: chr1-216465613-T-G.
Other names: c.1744A>C, p.Lys582Gln (NM_007123.6); short protein forms K582Q.
Identifiers: ClinVar variation 1514380 (VCV001514380.7), dbSNP rs1447197199, ClinGen allele CA344903202.

ClinVar aggregate classification (germline): Uncertain significance (1 of 4 stars; one submission).

Allele frequency attached by ClinVar (database versions not stated): gnomAD exomes below 0.00001.
gnomAD v4.1: 4 of 1,614,094 alleles (0.00025%); highest among the groups gnomAD compares: Non-Finnish European, 0.00034%; no homozygotes.

Submission:

Labcorp Genetics (formerly Invitae), Labcorp
Classification: Uncertain significance. Last evaluated: 2024-02-17. Review status: criteria provided, single submitter. Criteria: Invitae Variant Classification Sherloc (09022015). Collection method: clinical testing. Allele origin: germline.
Comment: This sequence change replaces lysine, which is basic and polar, with glutamine, which is neutral and polar, at codon 582 of the USH2A protein (p.Lys582Gln). This variant is present in population databases (no rsID available, gnomAD 0.0009%). This variant has not been reported in the literature in individuals affected with USH2A-related conditions. ClinVar contains an entry for this variant (Variation ID: 1514380). Advanced modeling of protein sequence and biophysical properties (such as structural, functional, and spatial information, amino acid conservation, physicochemical variation, residue mobility, and thermodynamic stability) performed at Invitae indicates that this missense variant is not expected to disrupt USH2A protein function with a negative predictive value of 95%. In summary, the available evidence is currently insufficient to determine the role of this variant in disease. Therefore, it has been classified as a Variant of Uncertain Significance.